The following is an entry in ClinVar:

ClinVar aggregate classification (germline): Likely benign (1 of 4 stars; one submission).

Allele frequency attached by ClinVar (database versions not stated): 1000 Genomes Project 0.00180; 1000 Genomes Project 30x 0.00187; ExAC 0.00502; gnomAD 0.00549; gnomAD exomes 0.00584; TOPMed 0.00584; ESP Exome Variant Server 0.00745.

Submission:

CeGaT Center for Human Genetics Tuebingen
Classification: Likely benign. Last evaluated: 2022-08-01. Review status: criteria provided, single submitter. Criteria: CeGaT Center For Human Genetics Tuebingen Variant Classification Criteria Version 2. Collection method: clinical testing. Allele origin: germline. Affected: yes. Observed: 2 variant alleles.
Comment: PRECSIT: BP4, BP7

NR_027701.1(PRECSIT):n.818T>C

Genes: PRECSIT (p53 regulated carcinoma associated Stat3 activating long intergenic non-protein coding transcript; minus strand), LOC126861859 (BRD4-independent group 4 enhancer GRCh37_chr13:111521756-111522955; plus strand). Cytogenetic location: 13q34.
Variant type: single nucleotide variant.
Molecular consequence: non-coding transcript variant (on NR_027701.1).
Genome position: GRCh38 VCF-style: chr13-110869491-A-G. GRCh37 (hg19) VCF-style: chr13-111521838-A-G.
Identifiers: ClinVar variation 2643958 (VCV002643958.24), dbSNP rs77449122, ClinGen allele CA7052910.